The following is an entry in ClinVar:

ClinVar aggregate classification (germline): Pathogenic. Review status: criteria provided, single submitter (1 of 4 stars). 2 submissions from 2 submitters: Pathogenic (1). 1 of the submissions does not count toward it. Last evaluated 2023-06-15.

Conditions:
Von Hippel-Lindau syndrome (VHLS). Also called: Von Hippel-Lindau; von Hippel–Lindau syndrome; VHL syndrome. Identifiers: Orphanet 892, MedGen C0019562, MONDO:0008667, OMIM 193300. Disease mechanism: loss of function.

Submissions (2):

Myriad Genetics, Inc.
Classification: Pathogenic for Von Hippel-Lindau syndrome. Last evaluated: 2023-06-15. Review status: criteria provided, single submitter. Criteria: Myriad Autosomal Dominant, Autosomal Recessive and X-Linked Classification Criteria (2023). Collection method: clinical testing. Allele origin: unknown.
Comment: This variant is considered pathogenic. This variant creates a frameshift predicted to result in premature protein truncation.

Genomic Diagnostic Laboratory, Division of Genomic Diagnostics, Children's Hospital of Philadelphia
Classification: Pathogenic for Von Hippel-Lindau syndrome. Last evaluated: 2016-02-26. Review status: no assertion criteria provided. Collection method: clinical testing. Allele origin: germline. Affected: yes. Observed: 2 variant alleles. Not counted in ClinVar's aggregate classification.

NM_000551.4(VHL):c.402del (p.Glu134fs)

Genes: VHL (von Hippel-Lindau tumor suppressor; plus strand), LOC107303340 (3p25 von Hippel-Lindau tumor suppressor, E3 ubiquitin protein ligase Alu-mediated recombination region; plus strand). Cytogenetic location: 3p25.3.
Variant type: Deletion.
Coding change: c.402del on transcript NM_000551.4 (MANE Select); coding-DNA position 402, one base deleted (A; older notation c.402delA).
Protein change: p.Glu134fs; shifts the reading frame from glutamic acid 134.
Molecular consequence: frameshift variant. On other transcripts: intron variant (2).
Genome position (GRCh38, 1-based): chr3:10,146,575, A deleted; the last of 2 consecutive A bases (chr3:10,146,574-10,146,575); deleting either gives the same sequence. VCF-style (leftmost placement, unchanged base first): chr3-10146573-GA-G. GRCh37 (hg19) VCF-style: chr3-10188257-GA-G.
Other names: c.402delA (NM_000551.3); c.*18-3212del (NM_001354723.2); c.341-3212del (NM_198156.3); short protein forms E134fs.
Identifiers: ClinVar variation 223204 (VCV000223204.3), dbSNP rs869025646, ClinGen allele CA357054.